The following is an entry in ClinVar:

NM_000179.3(MSH6):c.2401G>C (p.Val801Leu)

Gene: MSH6 (mutS homolog 6; plus strand). Cytogenetic location: 2p16.3.
Variant type: single nucleotide variant.
Coding change: c.2401G>C on transcript NM_000179.3 (MANE Select); coding-DNA position 2401, G replaced by C.
Protein change: p.Val801Leu; replaces valine 801 with leucine.
Molecular consequence: missense variant. On other transcripts: non-coding transcript variant (5), intron variant (3).
Genome position (GRCh38, 1-based): chr2:47,800,384, G>C. VCF-style: chr2-47800384-G-C. GRCh37 (hg19) VCF-style: chr2-48027523-G-C.
Other names: c.2011G>C, p.Val671Leu (NM_001281492.2); c.1495G>C, p.Val499Leu (NM_001281493.2, NM_001281494.2, NM_001406811.1 and 6 more transcripts); c.2497G>C, p.Val833Leu (NM_001406795.1, NM_001406802.1); c.2401G>C, p.Val801Leu (NM_001406796.1, NM_001406798.1, NM_001406800.1 and 2 more transcripts); c.2104G>C, p.Val702Leu (NM_001406797.1, NM_001406801.1, NM_001406805.1 and 10 more transcripts); c.1876G>C, p.Val626Leu (NM_001406799.1, NM_001406806.1, NM_001406807.1); c.2323G>C, p.Val775Leu (NM_001406804.1); c.2407G>C, p.Val803Leu (NM_001406813.1); and 4 more; short protein forms V626L, V775L, V833L, V671L, V801L, V803L, V499L, V702L.
Identifiers: ClinVar variation 2587349 (VCV002587349.2), dbSNP rs1265121267, ClinGen allele CA346753925.

ClinVar aggregate classification (germline): Uncertain significance (1 of 4 stars; one submission).

Conditions:
Hereditary cancer-predisposing syndrome. Also called: Tumor predisposition; Hereditary Cancer Syndrome; Hereditary neoplastic syndrome; Neoplastic Syndromes, Hereditary. Identifiers: Orphanet 140162, MedGen C0027672, MeSH D009386, MONDO:0015356.

Submission:

Ambry Genetics
Classification: Uncertain significance for Hereditary cancer-predisposing syndrome. Last evaluated: 2023-08-23. Review status: criteria provided, single submitter. Criteria: Ambry Variant Classification Scheme 2023. Collection method: clinical testing. Allele origin: germline.
Comment: The p.V801L variant (also known as c.2401G>C), located in coding exon 4 of the MSH6 gene, results from a G to C substitution at nucleotide position 2401. The valine at codon 801 is replaced by leucine, an amino acid with highly similar properties. This amino acid position is not well conserved in available vertebrate species. In addition, this alteration is predicted to be tolerated by in silico analysis. Since supporting evidence is limited at this time, the clinical significance of this alteration remains unclear.